The following is an entry in ClinVar:

NM_001394062.1(MACF1):c.16772A>T (p.Asp5591Val)

Gene: MACF1 (microtubule actin crosslinking factor 1; plus strand). Cytogenetic location: 1p34.3.
Variant type: single nucleotide variant.
Coding change: c.16772A>T on transcript NM_001394062.1 (MANE Select); coding-DNA position 16772, A replaced by T.
Protein change: p.Asp5591Val; replaces aspartic acid 5591 with valine.
Molecular consequence: missense variant. On other transcripts: intron variant (1).
Genome position (GRCh38, 1-based): chr1:39,428,256, A>T. VCF-style: chr1-39428256-A-T. GRCh37 (hg19) VCF-style: chr1-39893928-A-T.
Other names: c.10586A>T (NM_012090.4); c.10586A>T, p.Asp3529Val (NM_012090.5); c.4872+642A>T (NM_001397473.1); short protein forms D5591V, D3529V.
Identifiers: ClinVar variation 2101779 (VCV002101779.20), dbSNP rs1259154169, ClinGen allele CA339798250.

ClinVar aggregate classification (germline): Conflicting classifications of pathogenicity. Review status: criteria provided, conflicting classifications (1 of 4 stars). 4 submissions from 4 submitters: Uncertain significance (3); Likely benign (1). Last evaluated 2025-05-12.

Conditions:
Inborn genetic diseases. Identifiers: MedGen C0950123, MeSH D030342.

Allele frequency attached by ClinVar (database versions not stated): gnomAD exomes below 0.00001; gnomAD 0.00001; TOPMed 0.00002.
gnomAD v4.1: 5 of 1,613,134 alleles (0.00031%); highest among the groups gnomAD compares: African/African-American, 0.0013%; no homozygotes.

Submissions (4):

GeneDx
Classification: Uncertain significance. Last evaluated: 2025-05-12. Review status: criteria provided, single submitter. Criteria: GeneDx Variant Classification Process June 2021. Collection method: clinical testing. Allele origin: germline. Affected: yes.
Comment: Not observed at significant frequency in large population cohorts (gnomAD); In silico analysis supports that this missense variant has a deleterious effect on protein structure/function; Has not been previously published as pathogenic or benign to our knowledge

Ambry Genetics
Classification: Uncertain significance for Inborn genetic diseases. Last evaluated: 2024-11-20. Review status: criteria provided, single submitter. Criteria: Ambry Variant Classification Scheme 2023. Collection method: clinical testing. Allele origin: germline.

CeGaT Center for Human Genetics Tuebingen
Classification: Likely benign. Last evaluated: 2024-11-01. Review status: criteria provided, single submitter. Criteria: CeGaT Center For Human Genetics Tuebingen Variant Classification Criteria Version 2. Collection method: clinical testing. Allele origin: germline. Affected: yes. Observed: 1 variant allele.
Comment: MACF1: BP4, BS2

Labcorp Genetics (formerly Invitae), Labcorp
Classification: Uncertain significance. Last evaluated: 2022-08-17. Review status: criteria provided, single submitter. Criteria: Invitae Variant Classification Sherloc (09022015). Collection method: clinical testing. Allele origin: germline.
Comment: In summary, the available evidence is currently insufficient to determine the role of this variant in disease. Therefore, it has been classified as a Variant of Uncertain Significance. Algorithms developed to predict the effect of missense changes on protein structure and function are either unavailable or do not agree on the potential impact of this missense change (SIFT: "Deleterious"; PolyPhen-2: "Probably Damaging"; Align-GVGD: "Class C0"). This variant has not been reported in the literature in individuals affected with MACF1-related conditions. This variant is not present in population databases (gnomAD no frequency). This sequence change replaces aspartic acid, which is acidic and polar, with valine, which is neutral and non-polar, at codon 3529 of the MACF1 protein (p.Asp3529Val).